The following is an entry in ClinVar:

ClinVar aggregate classification (germline): Likely pathogenic (1 of 4 stars; one submission).

gnomAD v4.1: 1 of 1,614,024 alleles (0.000062%); highest among the groups gnomAD compares: Admixed American, 0.0017%; no homozygotes.

Submission:

Athena Diagnostics
Classification: Likely pathogenic. Last evaluated: 2019-08-14. Review status: criteria provided, single submitter. Criteria: Athena Diagnostics Criteria. Collection method: clinical testing. Allele origin: germline.
Comment: The variant creates a premature nonsense codon, and is therefore predicted to result in the loss of a functional protein. Not found in the total gnomAD dataset, and the data is high quality (0/282350 chr).

NM_000545.8(HNF1A):c.1531C>T (p.Gln511Ter)

Gene: HNF1A (HNF1 homeobox A; plus strand). Cytogenetic location: 12q24.31.
Variant type: single nucleotide variant.
Coding change: c.1531C>T on transcript NM_000545.8 (MANE Select); coding-DNA position 1531, C replaced by T.
Protein change: p.Gln511Ter; replaces glutamine 511 with a stop codon.
Molecular consequence: nonsense.
Genome position (GRCh38, 1-based): chr12:120,999,297, C>T. VCF-style: chr12-120999297-C-T. GRCh37 (hg19) VCF-style: chr12-121437100-C-T.
Other names: c.1531C>T, p.Gln511Ter (NM_001306179.2); short protein forms Q511*.
Identifiers: ClinVar variation 805631 (VCV000805631.1), dbSNP rs551484245, ClinGen allele CA386971712.
Genomic context (GRCh38, chr12:120,999,297, plus strand): 5'-CCACGTCTGCCCCTCTCTCCCCTGCGGCCAGCCCTCTACAGCCACAAGCCCGAGGTGGCC[C>T]AGTACACCCACACGGGCCTGCTCCCGCAGACTATGCTCATCACCGACACCACCAACCTGA-3'